The following is an entry in ClinVar:

NM_033116.6(NEK9):c.2658T>G (p.Thr886=)

Gene: NEK9 (NIMA related kinase 9; minus strand). Cytogenetic location: 14q24.3.
Variant type: single nucleotide variant.
Coding change: c.2658T>G on transcript NM_033116.6 (MANE Select); coding-DNA position 2658, T replaced by G.
Protein change: p.Thr886=; no amino-acid change (threonine 886 retained).
Molecular consequence: synonymous variant.
Genome position (GRCh38, 1-based): chr14:75,087,177, A>C on the plus strand (T>G on the coding strand, the complement: NEK9 is on the minus strand). VCF-style: chr14-75087177-A-C. GRCh37 (hg19) VCF-style: chr14-75553880-A-C.
Other names: c.2694T>G, p.Thr898= (NM_001329237.2); c.2304T>G, p.Thr768= (NM_001329238.2).
Identifiers: ClinVar variation 4821488 (VCV004821488.4).

ClinVar aggregate classification (germline): Likely benign (1 of 4 stars; one submission).

gnomAD v4.1: 126 of 1,614,150 alleles (0.0078%); highest among the groups gnomAD compares: Non-Finnish European, 0.0089%; no homozygotes.

Submission:

CeGaT Center for Human Genetics Tuebingen
Classification: Likely benign. Last evaluated: 2026-03-01. Review status: criteria provided, single submitter. Criteria: CeGaT Center For Human Genetics Tuebingen Variant Classification Criteria Version 2. Collection method: clinical testing. Allele origin: germline. Affected: yes. Observed: 1 variant allele.
Comment: NEK9: BP4, BP7